The following is an entry in ClinVar:

NM_000138.5(FBN1):c.8320A>G (p.Lys2774Glu)

Gene: FBN1 (fibrillin 1; minus strand). Cytogenetic location: 15q21.1.
Variant type: single nucleotide variant.
Coding change: c.8320A>G on transcript NM_000138.5 (MANE Select); coding-DNA position 8320, A replaced by G.
Protein change: p.Lys2774Glu; replaces lysine 2774 with glutamic acid.
Molecular consequence: missense variant.
Genome position (GRCh38, 1-based): chr15:48,411,286, T>C on the plus strand (A>G on the coding strand, the complement: FBN1 is on the minus strand). VCF-style: chr15-48411286-T-C. GRCh37 (hg19) VCF-style: chr15-48703483-T-C.
Other names: c.8320A>G, p.Lys2774Glu (NM_001406716.1); short protein forms K2774E.
Identifiers: ClinVar variation 3772130 (VCV003772130.13).

ClinVar aggregate classification (germline): Uncertain significance (1 of 4 stars; one submission).

Submission:

CeGaT Center for Human Genetics Tuebingen
Classification: Uncertain significance. Last evaluated: 2024-12-01. Review status: criteria provided, single submitter. Criteria: CeGaT Center For Human Genetics Tuebingen Variant Classification Criteria Version 2. Collection method: clinical testing. Allele origin: germline. Affected: yes. Observed: 1 variant allele.
Comment: FBN1: PM2, BP4